The following is an entry in ClinVar:

NM_003630.3(PEX3):c.553C>A (p.Gln185Lys)

Gene: PEX3 (peroxisomal biogenesis factor 3; plus strand). Cytogenetic location: 6q24.2.
Variant type: single nucleotide variant.
Coding change: c.553C>A on transcript NM_003630.3 (MANE Select); coding-DNA position 553, C replaced by A.
Protein change: p.Gln185Lys; replaces glutamine 185 with lysine.
Molecular consequence: missense variant.
Genome position (GRCh38, 1-based): chr6:143,471,586, C>A. VCF-style: chr6-143471586-C-A. GRCh37 (hg19) VCF-style: chr6-143792723-C-A.
Other names: c.553C>A (NM_003630.2); short protein forms Q185K.
Identifiers: ClinVar variation 1366095 (VCV001366095.9), dbSNP rs1220258474, ClinGen allele CA365911054.
Genomic context (GRCh38, chr6:143,471,586, plus strand): 5'-AAGGCTTTTAGGTTTGTTTTTTCTTTAATAGGCCTGACAGAATTGATCACTGTCATTAAA[C>A]AAGCTGTGCAGAAGGTTTTAGGAAGGTAAGGCATTTTTCTTTGACTTTTCTGACTTCTTG-3'
Protein context (NP_003621.1, residues 175-195): GLTELITVIK[Gln185Lys]AVQKVLGSVS

ClinVar aggregate classification (germline): Uncertain significance (1 of 4 stars; one submission).

Conditions:
Peroxisome biogenesis disorder 10A (Zellweger). Also called: Peroxisome biogenesis disorder 10A. Identifiers: Orphanet 912, MedGen C3553999, MONDO:0013948, OMIM 614882.

Allele frequency attached by ClinVar (database versions not stated): gnomAD 0.00001.

Submission:

Labcorp Genetics (formerly Invitae), Labcorp
Classification: Uncertain significance. Last evaluated: 2021-02-02. Review status: criteria provided, single submitter. Criteria: Invitae Variant Classification Sherloc (09022015). Collection method: clinical testing. Allele origin: germline.
Comment: This variant has not been reported in the literature in individuals with PEX3-related conditions. In summary, the available evidence is currently insufficient to determine the role of this variant in disease. Therefore, it has been classified as a Variant of Uncertain Significance. Algorithms developed to predict the effect of missense changes on protein structure and function (SIFT, PolyPhen-2, Align-GVGD) all suggest that this variant is likely to be tolerated, but these predictions have not been confirmed by published functional studies and their clinical significance is uncertain. This variant is not present in population databases (ExAC no frequency). This sequence change replaces glutamine with lysine at codon 185 of the PEX3 protein (p.Gln185Lys). The glutamine residue is moderately conserved and there is a small physicochemical difference between glutamine and lysine.